The following is an entry in ClinVar:

NM_024120.5(NDUFAF5):c.20T>C (p.Leu7Pro)

Genes: NDUFAF5 (NADH:ubiquinone oxidoreductase complex assembly factor 5; plus strand), LOC130065433 (ATAC-STARR-seq lymphoblastoid active region 17552; plus strand). Cytogenetic location: 20p12.1.
Variant type: single nucleotide variant.
Coding change: c.20T>C on transcript NM_024120.5 (MANE Select); coding-DNA position 20, T replaced by C.
Protein change: p.Leu7Pro; replaces leucine 7 with proline.
Molecular consequence: missense variant. On other transcripts: 5 prime UTR variant (3), non-coding transcript variant (7).
Genome position (GRCh38, 1-based): chr20:13,785,088, T>C. VCF-style: chr20-13785088-T-C. GRCh37 (hg19) VCF-style: chr20-13765734-T-C.
Other names: c.20T>C, p.Leu7Pro (NM_001039375.3, NM_001352408.2); c.-348T>C (NM_001352403.2); c.-562T>C (NM_001352406.2); c.-676T>C (NM_001352407.2); c.20T>C (NM_024120.4); short protein forms L7P.
Identifiers: ClinVar variation 3705549 (VCV003705549.4).

ClinVar aggregate classification (germline): Uncertain significance. Review status: criteria provided, multiple submitters, no conflicts (2 of 4 stars). 3 submissions from 3 submitters: Uncertain significance (3). Last evaluated 2025-08-26.

Conditions:
Inborn genetic diseases. Identifiers: MedGen C0950123, MeSH D030342.

gnomAD v4.1: 11 of 1,612,592 alleles (0.00068%); highest among the groups gnomAD compares: Non-Finnish European, 0.00085%; no homozygotes.

Submissions (3):

Ambry Genetics
Classification: Uncertain significance for Inborn genetic diseases. Last evaluated: 2025-08-26. Review status: criteria provided, single submitter. Criteria: Ambry Variant Classification Scheme 2023. Collection method: clinical testing. Allele origin: germline.

Labcorp Genetics (formerly Invitae), Labcorp
Classification: Uncertain significance. Last evaluated: 2025-03-07. Review status: criteria provided, single submitter. Criteria: Invitae Variant Classification Sherloc (09022015). Collection method: clinical testing. Allele origin: germline.
Comment: This sequence change replaces leucine, which is neutral and non-polar, with proline, which is neutral and non-polar, at codon 7 of the NDUFAF5 protein (p.Leu7Pro). This variant is present in population databases (rs775544697, gnomAD 0.002%). This variant has not been reported in the literature in individuals affected with NDUFAF5-related conditions. Invitae Evidence Modeling of protein sequence and biophysical properties (such as structural, functional, and spatial information, amino acid conservation, physicochemical variation, residue mobility, and thermodynamic stability) has been performed for this missense variant. However, the output from this modeling did not meet the statistical confidence thresholds required to predict the impact of this variant on NDUFAF5 protein function. In summary, the available evidence is currently insufficient to determine the role of this variant in disease. Therefore, it has been classified as a Variant of Uncertain Significance.

Blueprint Genetics
Classification: Uncertain significance. Last evaluated: 2020-12-29. Review status: criteria provided, single submitter. Criteria: ACMG Guidelines, 2015. Collection method: clinical testing. Allele origin: germline.